The following is an entry in ClinVar:

ClinVar aggregate classification (germline): Uncertain significance (1 of 4 stars; one submission).

Submission:

Ambry Genetics
Classification: Uncertain significance. Last evaluated: 2024-02-04. Review status: criteria provided, single submitter. Criteria: Ambry Variant Classification Scheme 2023. Collection method: clinical testing. Allele origin: germline.
Comment: The p.V330I variant (also known as c.988G>A), located in coding exon 8 of the RECQL gene, results from a G to A substitution at nucleotide position 988. The valine at codon 330 is replaced by isoleucine, an amino acid with highly similar properties. This amino acid position is conserved. In addition, this alteration is predicted to be tolerated by in silico analysis. Based on the available evidence, the clinical significance of this alteration remains unclear.

NM_002907.4(RECQL):c.988G>A (p.Val330Ile)

Gene: RECQL (RecQ like helicase; minus strand). Cytogenetic location: 12p12.1.
Variant type: single nucleotide variant.
Coding change: c.988G>A on transcript NM_002907.4 (MANE Select); coding-DNA position 988, G replaced by A.
Protein change: p.Val330Ile; replaces valine 330 with isoleucine.
Molecular consequence: missense variant.
Genome position (GRCh38, 1-based): chr12:21,475,786, C>T on the plus strand (G>A on the coding strand, the complement: RECQL is on the minus strand). VCF-style: chr12-21475786-C-T. GRCh37 (hg19) VCF-style: chr12-21628720-C-T.
Other names: c.988G>A, p.Val330Ile (NM_032941.3); short protein forms V330I.
Identifiers: ClinVar variation 3223001 (VCV003223001.1), dbSNP rs2540347103, ClinGen allele CA384122035.